The following is an entry in ClinVar:

NM_004629.2(FANCG):c.191T>C (p.Val64Ala)

Gene: FANCG (FA complementation group G; minus strand). Cytogenetic location: 9p13.3.
Variant type: single nucleotide variant.
Coding change: c.191T>C on transcript NM_004629.2 (MANE Select); coding-DNA position 191, T replaced by C.
Protein change: p.Val64Ala; replaces valine 64 with alanine.
Molecular consequence: missense variant.
Genome position (GRCh38, 1-based): chr9:35,078,721, A>G on the plus strand (T>C on the coding strand, the complement: FANCG is on the minus strand). VCF-style: chr9-35078721-A-G. GRCh37 (hg19) VCF-style: chr9-35078718-A-G.
Other names: short protein forms V64A.
Identifiers: ClinVar variation 5036503 (VCV005036503.1).
Genomic context (GRCh38, chr9:35,078,721, plus strand): 5'-AAGCTTGCCCTCAGGATAATGAAGTTGCAGGTGACAGTCAGCTCCAAGGGAAGAACAGGA[A>G]CAGCTGCAGGGAGCCCTGGAGCAACAATGTTGGTCTTACAGACTGCTCCCCCATGGAAGA-3'
Protein context (NP_004620.1, residues 54-74): LHSLQGLPAA[Val64Ala]PVLPLELTVT

ClinVar aggregate classification (germline): Uncertain significance (1 of 4 stars; one submission).

Conditions:
Inborn genetic diseases. Identifiers: MedGen C0950123, MeSH D030342.

Submission:

Ambry Genetics
Classification: Uncertain significance for Inborn genetic diseases. Last evaluated: 2026-07-11. Review status: criteria provided, single submitter. Criteria: Ambry Variant Classification Scheme 2023. Collection method: clinical testing. Allele origin: germline.
Comment: The p.V64A variant (also known as c.191T>C), located in coding exon 3 of the FANCG gene, results from a T to C substitution at nucleotide position 191. The valine at codon 64 is replaced by alanine, an amino acid with similar properties. This amino acid position is conserved. In addition, this alteration is predicted to be tolerated by in silico analysis. Based on the available evidence, the clinical significance of this variant remains unclear.